The following is an entry in ClinVar:

ClinVar aggregate classification (germline): Conflicting classifications of pathogenicity. Review status: criteria provided, conflicting classifications (1 of 4 stars). 3 submissions from 3 submitters: Uncertain significance (1); Likely benign (2). Last evaluated 2025-08-26.

Conditions:
Hypokalemic periodic paralysis, type 1. Also called: Hypokalemic Periodic Paralysis Type 1 (AD); HypoPP. Identifiers: Orphanet 681, MedGen C3714580, MONDO:0042979, OMIM 170400.
Malignant hyperthermia, susceptibility to, 5 (MHS5). Also called: CACNA1S-Related Malignant Hyperthermia Susceptibility. Identifiers: Orphanet 423, MedGen C1866077, MONDO:0011163, OMIM 601887.

Allele frequency attached by ClinVar (database versions not stated): gnomAD 0.00001; TOPMed 0.00001.
gnomAD v4.1: 1 of 1,614,040 alleles (0.000062%); highest among the groups gnomAD compares: African/African-American, 0.0013%; no homozygotes.

Submissions (3):

Labcorp Genetics (formerly Invitae), Labcorp
Classification: Likely benign for Hypokalemic periodic paralysis, type 1; Malignant hyperthermia, susceptibility to, 5. Last evaluated: 2025-08-26. Review status: criteria provided, single submitter. Criteria: Invitae Variant Classification Sherloc (09022015). Collection method: clinical testing. Allele origin: germline.

Blueprint Genetics
Classification: Likely benign. Last evaluated: 2020-08-11. Review status: criteria provided, single submitter. Criteria: ACMG Guidelines, 2015. Collection method: clinical testing. Allele origin: germline.

GeneDx
Classification: Uncertain significance. Last evaluated: 2019-04-16. Review status: criteria provided, single submitter. Criteria: GeneDx Variant Classification Process June 2021. Collection method: clinical testing. Allele origin: germline. Affected: yes.
Comment: Has not been previously published as pathogenic or benign to our knowledge; Not observed in large population cohorts (Lek et al., 2016); In-silico analysis, which includes splice predictors and evolutionary conservation, is inconclusive as to whether the variant alters gene splicing. In the absence of RNA/functional studies, the actual effect of this sequence change is unknown.

NM_000069.3(CACNA1S):c.3256-9G>A

Gene: CACNA1S (calcium voltage-gated channel subunit alpha1 S; minus strand). Cytogenetic location: 1q32.1.
Variant type: single nucleotide variant.
Coding change: c.3256-9G>A on transcript NM_000069.3 (MANE Select); 9 bases into the intron before coding-DNA position 3256, G replaced by A.
Molecular consequence: intron variant.
Genome position (GRCh38, 1-based): chr1:201,060,825, C>T on the plus strand (G>A on the coding strand, the complement: CACNA1S is on the minus strand). VCF-style: chr1-201060825-C-T. GRCh37 (hg19) VCF-style: chr1-201029953-C-T.
Identifiers: ClinVar variation 1316528 (VCV001316528.6), dbSNP rs1294455750, ClinGen allele CA730076403.
Genomic context (GRCh38, chr1:201,060,825, plus strand): 5'-GAATGTAGCACCTCAGTGGGCGGGCCTTCAGGGCATACTGTACACATTGGCGCTGTGACA[C>T]ATACAACAGGACAGGTCAGCACCAAGAGGCCCCTCCCTCCCTCTCCACACCCACATCCAT-3'